The following is an entry in ClinVar:

NM_001130987.2(DYSF):c.1153G>C (p.Glu385Gln)

Gene: DYSF (dysferlin; plus strand). Cytogenetic location: 2p13.2.
Variant type: single nucleotide variant.
Coding change: c.1153G>C on transcript NM_001130987.2 (MANE Select); coding-DNA position 1153, G replaced by C.
Protein change: p.Glu385Gln; replaces glutamic acid 385 with glutamine.
Molecular consequence: missense variant.
Genome position (GRCh38, 1-based): chr2:71,526,223, G>C. VCF-style: chr2-71526223-G-C. GRCh37 (hg19) VCF-style: chr2-71753353-G-C.
Other names: c.1060G>C, p.Glu354Gln (NM_001130455.2, NM_001130983.2, NM_001130984.2 and 1 more transcripts); c.1057G>C, p.Glu353Gln (NM_001130976.2, NM_001130977.2, NM_001130978.2 and 1 more transcripts); c.1150G>C, p.Glu384Gln (NM_001130979.2, NM_001130980.2, NM_001130981.2); c.1153G>C, p.Glu385Gln (NM_001130982.2, NM_001130985.2); short protein forms E384Q, E385Q, E353Q, E354Q.
Identifiers: ClinVar variation 4775877 (VCV004775877.1).

ClinVar aggregate classification (germline): Uncertain significance (1 of 4 stars; one submission).

Conditions:
Neuromuscular disease caused by qualitative or quantitative defects of dysferlin. Also called: Qualitative or quantitative defects of dysferlin; Dysferlinopathy. Identifiers: Orphanet 207073, MedGen C2931687, MONDO:0016145.

gnomAD v4.1: 2 of 1,614,134 alleles (0.00012%); highest among the groups gnomAD compares: African/African-American, 0.0027%; no homozygotes.

Submission:

Labcorp Genetics (formerly Invitae), Labcorp
Classification: Uncertain significance for Neuromuscular disease caused by qualitative or quantitative defects of dysferlin. Last evaluated: 2025-08-04. Review status: criteria provided, single submitter. Criteria: Invitae Variant Classification Sherloc (09022015). Collection method: clinical testing. Allele origin: germline.
Comment: This sequence change replaces glutamic acid, which is acidic and polar, with glutamine, which is neutral and polar, at codon 353 of the DYSF protein (p.Glu353Gln). This variant is not present in population databases (gnomAD no frequency). This variant has not been reported in the literature in individuals affected with DYSF-related conditions. Invitae Evidence Modeling of protein sequence and biophysical properties (such as structural, functional, and spatial information, amino acid conservation, physicochemical variation, residue mobility, and thermodynamic stability) indicates that this missense variant is not expected to disrupt DYSF protein function with a negative predictive value of 95%. In summary, the available evidence is currently insufficient to determine the role of this variant in disease. Therefore, it has been classified as a Variant of Uncertain Significance.